The following is an entry in ClinVar:

ClinVar aggregate classification (germline): Conflicting classifications of pathogenicity. Review status: criteria provided, conflicting classifications (1 of 4 stars). 6 submissions from 6 submitters: Uncertain significance (5); Likely benign (1). Last evaluated 2025-12-24.

Conditions:
Cardiovascular phenotype. Identifiers: MedGen CN230736.
Dilated cardiomyopathy 1HH (CMD1HH). Identifiers: Orphanet 154, MedGen C3151293, MONDO:0013479, OMIM 613881.
Myofibrillar myopathy 6. Identifiers: Orphanet 199340, MedGen C2751831, MONDO:0013061, OMIM 612954.
Cardiomyopathy (CMYO). Also called: Cardiomyopathies. Identifiers: Orphanet 167848, MedGen C0878544, MONDO:0004994, HP:0001638. Inheritance: Various modes of inheritance.

Allele frequency attached by ClinVar (database versions not stated): gnomAD 0.00001; TOPMed 0.00001; gnomAD exomes 0.00003; ExAC 0.00004.
gnomAD v4.1: 41 of 1,598,946 alleles (0.0026%); highest among the groups gnomAD compares: Non-Finnish European, 0.0032%; no homozygotes.

Submissions (6):

Labcorp Genetics (formerly Invitae), Labcorp
Classification: Uncertain significance for Dilated cardiomyopathy 1HH; Myofibrillar myopathy 6. Last evaluated: 2025-12-24. Review status: criteria provided, single submitter. Criteria: Invitae Variant Classification Sherloc (09022015). Collection method: clinical testing. Allele origin: germline.
Comment: This sequence change replaces proline, which is neutral and non-polar, with serine, which is neutral and polar, at codon 23 of the BAG3 protein (p.Pro23Ser). This variant is present in population databases (rs747846089, gnomAD 0.006%). This missense change has been observed in individual(s) with hereditary sensory neuropathy (PMID: 26392352). ClinVar contains an entry for this variant (Variation ID: 279697). An algorithm developed to predict the effect of missense changes on protein structure and function (PolyPhen-2) suggests that this variant is likely to be disruptive. In summary, the available evidence is currently insufficient to determine the role of this variant in disease. Therefore, it has been classified as a Variant of Uncertain Significance.

Ambry Genetics
Classification: Uncertain significance for Cardiovascular phenotype. Last evaluated: 2025-06-30. Review status: criteria provided, single submitter. Criteria: Ambry Variant Classification Scheme 2023. Collection method: clinical testing. Allele origin: germline.
Comment: The p.P23S variant (also known as c.67C>T), located in coding exon 1 of the BAG3 gene, results from a C to T substitution at nucleotide position 67. The proline at codon 23 is replaced by serine, an amino acid with similar properties. This variant was identified in one individual with hereditary sensory neuropathy (Antoniadi T et al. BMC Med. Genet., 2015 Sep;16:84). This variant has also been detected in two cases referred for genetic testing for dilated cardiomyopathy (DCM) and one case with pediatric-onset restrictive cardiomyopathy; however, details were limited (Seidelmann SB et al. Circ Cardiovasc Genet, 2017 Feb;10; van Lint FHM et al. Neth Heart J, 2019 Jun;27:304-309; Ware SM et al. Am J Hum Genet, 2022 Feb;109:282-298). This amino acid position is highly conserved in available vertebrate species. In addition, this alteration is predicted to be deleterious by in silico analysis. Since supporting evidence is limited at this time, the clinical significance of this alteration remains unclear.

CHEO Genetics Diagnostic Laboratory, Children's Hospital of Eastern Ontario
Classification: Uncertain significance for Cardiomyopathy. Last evaluated: 2023-05-16. Review status: criteria provided, single submitter. Criteria: ACMG Guidelines, 2015. Collection method: clinical testing. Allele origin: germline.

GeneDx
Classification: Likely benign. Last evaluated: 2022-10-05. Review status: criteria provided, single submitter. Criteria: GeneDx Variant Classification Process June 2021. Collection method: clinical testing. Allele origin: germline. Affected: yes.
Comment: See Variant Classification Assertion Criteria.

Fulgent Genetics
Classification: Uncertain significance for Myofibrillar myopathy 6; Dilated cardiomyopathy 1HH. Last evaluated: 2021-09-08. Review status: criteria provided, single submitter. Criteria: ACMG Guidelines, 2015. Collection method: clinical testing. Allele origin: unknown.

Mayo Clinic Laboratories, Mayo Clinic
Classification: Uncertain significance. Last evaluated: 2020-02-12. Review status: criteria provided, single submitter. Criteria: ACMG Guidelines, 2015. Collection method: clinical testing. Allele origin: germline. Observed: 1 variant allele.

Literature cited by the submitters: PubMed 26392352 (cited by Labcorp Genetics (formerly Invitae), Labcorp and Ambry Genetics); PubMed 28087566 (cited by Ambry Genetics); PubMed 30847666 (cited by Ambry Genetics); PubMed 35026164 (cited by Ambry Genetics).

NM_004281.4(BAG3):c.67C>T (p.Pro23Ser)

Gene: BAG3 (BAG cochaperone 3; plus strand). Cytogenetic location: 10q26.11.
Variant type: single nucleotide variant.
Coding change: c.67C>T on transcript NM_004281.4 (MANE Select); coding-DNA position 67, C replaced by T.
Protein change: p.Pro23Ser; replaces proline 23 with serine.
Molecular consequence: missense variant.
Genome position (GRCh38, 1-based): chr10:119,651,742, C>T. VCF-style: chr10-119651742-C-T. GRCh37 (hg19) VCF-style: chr10-121411254-C-T.
Other names: short protein forms P23S.
Identifiers: ClinVar variation 279697 (VCV000279697.26), dbSNP rs747846089, ClinGen allele CA5716208.